The following is an entry in ClinVar:

ClinVar aggregate classification (germline): Uncertain significance. Review status: criteria provided, multiple submitters, no conflicts (2 of 4 stars). 2 submissions from 2 submitters: Uncertain significance (2). Last evaluated 2025-05-04.

Conditions:
Familial thoracic aortic aneurysm and aortic dissection (TAAD). Also called: Thoracic aortic aneurysms and dissections. Identifiers: Orphanet 91387, MedGen C4707243, MONDO:0019625.
Shprintzen-Goldberg syndrome (SGS). Also called: CRANIOSYNOSTOSIS WITH ARACHNODACTYLY AND ABDOMINAL HERNIAS; SHPRINTZEN-GOLDBERG CRANIOSYNOSTOSIS SYNDROME; Marfanoid disorder with craniosynostosis type 1; Marfanoid craniosynostosis syndrome; Shprintzen-Goldberg marfanoid syndrome. Identifiers: Orphanet 2462, MedGen C1321551, MONDO:0008426, OMIM 182212.

Allele frequency attached by ClinVar (database versions not stated): gnomAD exomes 0.00002; TOPMed 0.00005; gnomAD 0.00001.

Submissions (2):

Labcorp Genetics (formerly Invitae), Labcorp
Classification: Uncertain significance for Shprintzen-Goldberg syndrome. Last evaluated: 2025-05-04. Review status: criteria provided, single submitter. Criteria: Invitae Variant Classification Sherloc (09022015). Collection method: clinical testing. Allele origin: germline.
Comment: This sequence change replaces methionine, which is neutral and non-polar, with threonine, which is neutral and polar, at codon 569 of the SKI protein (p.Met569Thr). This variant is present in population databases (rs539988362, gnomAD 0.002%). This variant has not been reported in the literature in individuals affected with SKI-related conditions. ClinVar contains an entry for this variant (Variation ID: 1778462). Invitae Evidence Modeling of protein sequence and biophysical properties (such as structural, functional, and spatial information, amino acid conservation, physicochemical variation, residue mobility, and thermodynamic stability) indicates that this missense variant is not expected to disrupt SKI protein function with a negative predictive value of 95%. In summary, the available evidence is currently insufficient to determine the role of this variant in disease. Therefore, it has been classified as a Variant of Uncertain Significance.

Ambry Genetics
Classification: Uncertain significance for Familial thoracic aortic aneurysm and aortic dissection. Last evaluated: 2022-03-17. Review status: criteria provided, single submitter. Criteria: Ambry Variant Classification Scheme 2023. Collection method: clinical testing. Allele origin: germline.
Comment: The p.M569T variant (also known as c.1706T>C), located in coding exon 5 of the SKI gene, results from a T to C substitution at nucleotide position 1706. The methionine at codon 569 is replaced by threonine, an amino acid with similar properties. This amino acid position is conserved. In addition, this alteration is predicted to be deleterious by in silico analysis. Since supporting evidence is limited at this time, the clinical significance of this alteration remains unclear.

NM_003036.4(SKI):c.1706T>C (p.Met569Thr)

Gene: SKI (SKI proto-oncogene; plus strand). Cytogenetic location: 1p36.32.
Variant type: single nucleotide variant.
Coding change: c.1706T>C on transcript NM_003036.4 (MANE Select); coding-DNA position 1706, T replaced by C.
Protein change: p.Met569Thr; replaces methionine 569 with threonine.
Molecular consequence: missense variant.
Genome position (GRCh38, 1-based): chr1:2,304,524, T>C. VCF-style: chr1-2304524-T-C. GRCh37 (hg19) VCF-style: chr1-2235963-T-C.
Other names: short protein forms M569T.
Identifiers: ClinVar variation 1778462 (VCV001778462.7), dbSNP rs539988362, ClinGen allele CA16896794.